The following is an entry in ClinVar:

ClinVar aggregate classification (germline): Pathogenic (1 of 4 stars; one submission).

Submission:

Labcorp Genetics (formerly Invitae), Labcorp
Classification: Pathogenic. Last evaluated: 2024-11-09. Review status: criteria provided, single submitter. Criteria: Invitae Variant Classification Sherloc (09022015). Collection method: clinical testing. Allele origin: germline.
Comment: This sequence change creates a premature translational stop signal (p.Asn40Argfs*49) in the GNPTG gene. It is expected to result in an absent or disrupted protein product. Loss-of-function variants in GNPTG are known to be pathogenic (PMID: 19370764, 20301784). This variant is not present in population databases (gnomAD no frequency). This variant has not been reported in the literature in individuals affected with GNPTG-related conditions. For these reasons, this variant has been classified as Pathogenic.

Literature cited by the submitters: PubMed 19370764; PubMed 20301784.

NM_032520.5(GNPTG):c.118_121del (p.Asn40fs)

Gene: GNPTG (N-acetylglucosamine-1-phosphate transferase subunit gamma; plus strand). Cytogenetic location: 16p13.3.
Variant type: Deletion.
Coding change: c.118_121del on transcript NM_032520.5 (MANE Select); coding-DNA positions 118 to 121, 4 bases deleted (AACC; older notation c.118_121delAACC).
Protein change: p.Asn40fs; shifts the reading frame from asparagine 40.
Molecular consequence: frameshift variant.
Genome position (GRCh38, 1-based): chr16:1,352,246-1,352,249, AACC deleted; deleting any 4 consecutive bases within chr16:1,352,245-1,352,249 gives the same sequence; the c. name uses the placement nearest the transcript's 3' end. VCF-style (leftmost placement, unchanged base first): chr16-1352244-ACAAC-A. GRCh37 (hg19) VCF-style: chr16-1402245-ACAAC-A.
Other names: short protein forms N40fs.
Identifiers: ClinVar variation 3724901 (VCV003724901.2).